The following is an entry in ClinVar:

ClinVar aggregate classification (germline): Uncertain significance (1 of 4 stars; one submission).

Conditions:
Chédiak-Higashi syndrome (CHS). Also called: Chediak-Higashi Syndrome. Identifiers: Orphanet 167, MedGen C0007965, MONDO:0008963, OMIM 214500.

Allele frequency attached by ClinVar (database versions not stated): gnomAD exomes below 0.00001; gnomAD 0.00002; TOPMed 0.00003.
gnomAD v4.1: 6 of 1,503,724 alleles (0.0004%); highest among the groups gnomAD compares: African/African-American, 0.0041%; no homozygotes.

Submission:

Labcorp Genetics (formerly Invitae), Labcorp
Classification: Uncertain significance for Chédiak-Higashi syndrome. Last evaluated: 2022-02-20. Review status: criteria provided, single submitter. Criteria: Invitae Variant Classification Sherloc (09022015). Collection method: clinical testing. Allele origin: germline.
Comment: This sequence change replaces glutamic acid, which is acidic and polar, with lysine, which is basic and polar, at codon 2485 of the LYST protein (p.Glu2485Lys). This variant is present in population databases (no rsID available, gnomAD 0.01%). This variant has not been reported in the literature in individuals affected with LYST-related conditions. Algorithms developed to predict the effect of missense changes on protein structure and function are either unavailable or do not agree on the potential impact of this missense change (SIFT: "Tolerated"; PolyPhen-2: "Possibly Damaging"; Align-GVGD: "Class C0"). In summary, the available evidence is currently insufficient to determine the role of this variant in disease. Therefore, it has been classified as a Variant of Uncertain Significance.

NM_000081.4(LYST):c.7453G>A (p.Glu2485Lys)

Gene: LYST (lysosomal trafficking regulator; minus strand). Cytogenetic location: 1q42.3.
Variant type: single nucleotide variant.
Coding change: c.7453G>A on transcript NM_000081.4 (MANE Select); coding-DNA position 7453, G replaced by A.
Protein change: p.Glu2485Lys; replaces glutamic acid 2485 with lysine.
Molecular consequence: missense variant.
Genome position (GRCh38, 1-based): chr1:235,753,051, C>T on the plus strand (G>A on the coding strand, the complement: LYST is on the minus strand). VCF-style: chr1-235753051-C-T. GRCh37 (hg19) VCF-style: chr1-235916351-C-T.
Other names: c.7453G>A, p.Glu2485Lys (NM_001301365.1); short protein forms E2485K.
Identifiers: ClinVar variation 2063288 (VCV002063288.1), dbSNP rs997213296, ClinGen allele CA39613115.